The following is an entry in ClinVar:

ClinVar aggregate classification (germline): Uncertain significance (1 of 4 stars; one submission).

Conditions:
Symmetrical dyschromatosis of extremities (DSH). Also called: RETICULATE ACROPIGMENTATION OF DOHI; SYMMETRIC DYSCHROMATOSIS OF THE EXTREMITIES; Dyschromatosis symmetrica hereditaria; DYSCHROMATOSIS SYMMETRICA HEREDITARIA 1. Identifiers: Orphanet 41, MedGen C0406775, MONDO:0007483, OMIM 127400.
Aicardi-Goutieres syndrome 6 (AGS6). Identifiers: Orphanet 51, MedGen C3539013, MONDO:0014007, OMIM 615010.

Submission:

Labcorp Genetics (formerly Invitae), Labcorp
Classification: Uncertain significance for Aicardi-Goutieres syndrome 6; Symmetrical dyschromatosis of extremities. Last evaluated: 2022-06-13. Review status: criteria provided, single submitter. Criteria: Invitae Variant Classification Sherloc (09022015). Collection method: clinical testing. Allele origin: germline.
Comment: In summary, the available evidence is currently insufficient to determine the role of this variant in disease. Therefore, it has been classified as a Variant of Uncertain Significance. Algorithms developed to predict the effect of missense changes on protein structure and function output the following: SIFT: "Tolerated"; PolyPhen-2: "Benign"; Align-GVGD: "Class C0". The serine amino acid residue is found in multiple mammalian species, which suggests that this missense change does not adversely affect protein function. This variant has not been reported in the literature in individuals affected with ADAR-related conditions. This variant is present in population databases (no rsID available, gnomAD 0.0009%). This sequence change replaces threonine, which is neutral and polar, with serine, which is neutral and polar, at codon 14 of the ADAR protein (p.Thr14Ser).

NM_001111.5(ADAR):c.41C>G (p.Thr14Ser)

Gene: ADAR (adenosine deaminase RNA specific; minus strand). Cytogenetic location: 1q21.3.
Variant type: single nucleotide variant.
Coding change: c.41C>G on transcript NM_001111.5 (MANE Select); coding-DNA position 41, C replaced by G.
Protein change: p.Thr14Ser; replaces threonine 14 with serine.
Molecular consequence: missense variant. On other transcripts: 5 prime UTR variant (6).
Genome position (GRCh38, 1-based): chr1:154,602,601, G>C on the plus strand (C>G on the coding strand, the complement: ADAR is on the minus strand). VCF-style: chr1-154602601-G-C. GRCh37 (hg19) VCF-style: chr1-154575077-G-C.
Other names: c.-845C>G (NM_001025107.3, NM_001193495.2, NM_001365048.1); c.68C>G, p.Thr23Ser (NM_001365045.1); c.-709C>G (NM_001365046.1, NM_001365047.1, NM_001365049.1); c.41C>G, p.Thr14Ser (NM_015840.4, NM_015841.4); short protein forms T23S, T14S.
Identifiers: ClinVar variation 2033318 (VCV002033318.4), dbSNP rs1367057702, ClinGen allele CA342607575.